The following is an entry in ClinVar:

ClinVar aggregate classification (germline): Benign/Likely benign. Review status: criteria provided, multiple submitters, no conflicts (2 of 4 stars). 5 submissions from 5 submitters: Benign (1); Likely benign (3). 1 of the submissions does not count toward it. Last evaluated 2026-02-01.

Conditions:
FBP1-related disorder. Also called: FBP1-related condition.
Fructose-biphosphatase deficiency (FBP1D). Also called: Fructose-1,6-Bisphosphatase 1 Deficiency; Fructose 1,6 Bisphosphatase Deficiency; Fructose-1,6-Diphosphatase Deficiency. Identifiers: Orphanet 348, MedGen C0016756, MONDO:0009251, OMIM 229700.

Allele frequency attached by ClinVar (database versions not stated): gnomAD 0.00346 and 0.00369; gnomAD exomes 0.00031 and 0.00092; 1000 Genomes Project 30x 0.00297; 1000 Genomes Project 0.00319; TOPMed 0.00405; ExAC 0.00124; ESP Exome Variant Server 0.00346.
gnomAD v4.1: 1,018 of 1,614,152 alleles (0.063%); highest among the groups gnomAD compares: African/African-American, 1.2%; 1 homozygote.

Submissions (5):

Labcorp Genetics (formerly Invitae), Labcorp
Classification: Benign for Fructose-biphosphatase deficiency. Last evaluated: 2026-02-01. Review status: criteria provided, single submitter. Criteria: Invitae Variant Classification Sherloc (09022015). Collection method: clinical testing. Allele origin: germline.

Center for Pediatric Genomic Medicine, Children's Mercy Hospital and Clinics
Classification: Likely benign. Last evaluated: 2017-02-22. Review status: criteria provided, single submitter. Criteria: ACMG Guidelines, 2015. Collection method: clinical testing. Allele origin: germline.

GeneDx
Classification: Likely benign. Last evaluated: 2015-08-26. Review status: criteria provided, single submitter. Criteria: GeneDx Variant Classification (06012015). Collection method: clinical testing. Allele origin: germline. Affected: yes.
Comment: This variant is considered likely benign or benign based on one or more of the following criteria: it is a conservative change, it occurs at a poorly conserved position in the protein, it is predicted to be benign by multiple in silico algorithms, and/or has population frequency not consistent with disease.

Breakthrough Genomics
Classification: Likely benign. Review status: criteria provided, single submitter. Criteria: ACMG Guidelines, 2015. Collection method: not provided. Allele origin: germline. Inheritance: Autosomal recessive inheritance. Affected: yes.

PreventionGenetics, part of Exact Sciences
Classification: Likely benign for FBP1-related condition. Last evaluated: 2019-12-27. Review status: no assertion criteria provided. Collection method: clinical testing. Allele origin: germline. Not counted in ClinVar's aggregate classification.
Comment: This variant is classified as likely benign based on ACMG/AMP sequence variant interpretation guidelines (Richards et al. 2015 PMID: 25741868, with internal and published modifications).

NM_000507.4(FBP1):c.865A>T (p.Met289Leu)

Gene: FBP1 (fructose-bisphosphatase 1; minus strand). Cytogenetic location: 9q22.32.
Variant type: single nucleotide variant.
Coding change: c.865A>T on transcript NM_000507.4 (MANE Select); coding-DNA position 865, A replaced by T.
Protein change: p.Met289Leu; replaces methionine 289 with leucine.
Molecular consequence: missense variant.
Genome position (GRCh38, 1-based): chr9:94,603,533, T>A on the plus strand (A>T on the coding strand, the complement: FBP1 is on the minus strand). VCF-style: chr9-94603533-T-A. GRCh37 (hg19) VCF-style: chr9-97365815-T-A.
Other names: p.M289L:ATG>TTG; c.865A>T, p.Met289Leu (NM_001127628.2); short protein forms M289L.
Identifiers: ClinVar variation 214360 (VCV000214360.16), dbSNP rs145771944, ClinGen allele CA319841.